The following is an entry in ClinVar:

ClinVar aggregate classification (germline): Likely benign (1 of 4 stars; one submission).

Conditions:
Tuberous sclerosis 2 (TSC2). Identifiers: Orphanet 805, MedGen C1860707, MONDO:0013199, OMIM 613254.

gnomAD v4.1: 1 of 1,611,364 alleles (0.000062%); no homozygotes.

Submission:

Myriad Genetics, Inc.
Classification: Likely benign for Tuberous sclerosis 2. Last evaluated: 2025-06-04. Review status: criteria provided, single submitter. Criteria: Myriad Autosomal Dominant, Autosomal Recessive and X-Linked Classification Criteria (2023). Collection method: clinical testing. Allele origin: unknown.
Comment: This variant is considered likely benign. This variant is intronic and is not expected to impact mRNA splicing.

NM_000548.5(TSC2):c.4663-11T>C

Gene: TSC2 (TSC complex subunit 2; plus strand). Cytogenetic location: 16p13.3.
Variant type: single nucleotide variant.
Coding change: c.4663-11T>C on transcript NM_000548.5 (MANE Select); 11 bases into the intron before coding-DNA position 4663, T replaced by C.
Molecular consequence: intron variant.
Genome position (GRCh38, 1-based): chr16:2,086,182, T>C. VCF-style: chr16-2086182-T-C. GRCh37 (hg19) VCF-style: chr16-2136183-T-C.
Other names: c.3121-11T>C (NM_001406693.1, NM_001406692.1, NM_001406694.1); c.4555-11T>C (NM_001406667.1); c.4552-11T>C (NM_001406668.1); c.4063-11T>C (NM_001406680.1); c.3994-11T>C (NM_001406683.1, NM_001406682.1); c.3862-11T>C (NM_001406687.1, NM_001406688.1); c.3250-11T>C (NM_001406689.1); c.3190-11T>C (NM_001406690.1); and 26 more.
Identifiers: ClinVar variation 4071072 (VCV004071072.1).
Genomic context (GRCh38, chr16:2,086,182, plus strand): 5'-CACCCCCACCCTCTGCGGGGCAGGGCCCGGCCCGGGAGTGATGCCACCCTGCCTCTCCCC[T>C]CTCCCCACAGAGCAACAGCGAGCTCGCCATCCTGTCCAATGAGCATGGCTCCTACAGGTA-3'